The following is an entry in ClinVar:

NM_000551.4(VHL):c.622C>T (p.His208Tyr)

Genes: VHL (von Hippel-Lindau tumor suppressor; plus strand), LOC107303340 (3p25 von Hippel-Lindau tumor suppressor, E3 ubiquitin protein ligase Alu-mediated recombination region; plus strand). Cytogenetic location: 3p25.3.
Variant type: single nucleotide variant.
Coding change: c.622C>T on transcript NM_000551.4 (MANE Select); coding-DNA position 622, C replaced by T.
Protein change: p.His208Tyr; replaces histidine 208 with tyrosine.
Molecular consequence: missense variant. On other transcripts: 3 prime UTR variant (1).
Genome position (GRCh38, 1-based): chr3:10,149,945, C>T. VCF-style: chr3-10149945-C-T. GRCh37 (hg19) VCF-style: chr3-10191629-C-T.
Other names: c.*176C>T (NM_001354723.2); c.499C>T, p.His167Tyr (NM_198156.3); short protein forms H167Y, H208Y.
Identifiers: ClinVar variation 965895 (VCV000965895.12), dbSNP rs121913347, ClinGen allele CA041967.
Genomic context (GRCh38, chr3:10,149,945, plus strand): 5'-CTGGAAGACCACCCAAATGTGCAGAAAGACCTGGAGCGGCTGACACAGGAGCGCATTGCA[C>T]ATCAACGGATGGGAGATTGAAGATTTCTGTTGAAACTTACACTGTTTCATCTCAGCTTTT-3'
Protein context (NP_000542.1, residues 198-213): LERLTQERIA[His208Tyr]QRMGD

ClinVar aggregate classification (germline): Uncertain significance. Review status: criteria provided, multiple submitters, no conflicts (2 of 4 stars). 3 submissions from 3 submitters: Uncertain significance (3). Last evaluated 2024-12-06.

Conditions:
Hereditary cancer-predisposing syndrome. Also called: Hereditary neoplastic syndrome; Hereditary Cancer Syndrome; Tumor predisposition; Neoplastic Syndromes, Hereditary. Identifiers: Orphanet 140162, MedGen C0027672, MeSH D009386, MONDO:0015356.
Chuvash polycythemia. Also called: POLYCYTHEMIA, VHL-DEPENDENT. Identifiers: Orphanet 238557, MedGen C1837915, MONDO:0009892, OMIM 263400.
Von Hippel-Lindau syndrome (VHLS). Also called: von Hippel–Lindau syndrome; VHL syndrome; Von Hippel-Lindau. Identifiers: Orphanet 892, MedGen C0019562, MONDO:0008667, OMIM 193300. Disease mechanism: loss of function.

Allele frequency attached by ClinVar (database versions not stated): gnomAD exomes below 0.00001; ExAC 0.00001.
gnomAD v4.1: 1 of 1,614,070 alleles (0.000062%); highest among the groups gnomAD compares: South Asian, 0.0011%; no homozygotes.

Submissions (3):

GeneDx
Classification: Uncertain significance. Last evaluated: 2024-12-06. Review status: criteria provided, single submitter. Criteria: GeneDx Variant Classification Process June 2021. Collection method: clinical testing. Allele origin: germline. Affected: yes.
Comment: Not observed at significant frequency in large population cohorts (gnomAD); In silico analysis indicates that this missense variant does not alter protein structure/function; Has not been previously published as pathogenic or benign to our knowledge

Ambry Genetics
Classification: Uncertain significance for Hereditary cancer-predisposing syndrome. Last evaluated: 2024-06-15. Review status: criteria provided, single submitter. Criteria: Ambry Variant Classification Scheme 2023. Collection method: clinical testing. Allele origin: germline.
Comment: The p.H208Y variant (also known as c.622C>T), located in coding exon 3 of the VHL gene, results from a C to T substitution at nucleotide position 622. The histidine at codon 208 is replaced by tyrosine, an amino acid with similar properties. This amino acid position is poorly conserved in available vertebrate species. In addition, the in silico prediction for this alteration is inconclusive. Since supporting evidence is limited at this time, the clinical significance of this alteration remains unclear.

Labcorp Genetics (formerly Invitae), Labcorp
Classification: Uncertain significance for Von Hippel-Lindau syndrome; Chuvash polycythemia. Last evaluated: 2024-03-27. Review status: criteria provided, single submitter. Criteria: Invitae Variant Classification Sherloc (09022015). Collection method: clinical testing. Allele origin: germline.
Comment: This sequence change replaces histidine, which is basic and polar, with tyrosine, which is neutral and polar, at codon 208 of the VHL protein (p.His208Tyr). This variant is present in population databases (rs121913347, gnomAD 0.003%). This variant has not been reported in the literature in individuals affected with VHL-related conditions. ClinVar contains an entry for this variant (Variation ID: 965895). Advanced modeling of protein sequence and biophysical properties (such as structural, functional, and spatial information, amino acid conservation, physicochemical variation, residue mobility, and thermodynamic stability) performed at Invitae indicates that this missense variant is not expected to disrupt VHL protein function with a negative predictive value of 95%. In summary, the available evidence is currently insufficient to determine the role of this variant in disease. Therefore, it has been classified as a Variant of Uncertain Significance.